The following is an entry in ClinVar:

NM_000020.3(ACVRL1):c.152G>A (p.Cys51Tyr)

Gene: ACVRL1 (activin A receptor like type 1; plus strand). Cytogenetic location: 12q13.13.
Variant type: single nucleotide variant.
Coding change: c.152G>A on transcript NM_000020.3 (MANE Select); coding-DNA position 152, G replaced by A.
Protein change: p.Cys51Tyr; replaces cysteine 51 with tyrosine.
Molecular consequence: missense variant.
Genome position (GRCh38, 1-based): chr12:51,913,189, G>A. VCF-style: chr12-51913189-G-A. GRCh37 (hg19) VCF-style: chr12-52306973-G-A.
Other names: p.C51Y:TGC>TAC; c.152G>A, p.Cys51Tyr (NM_001077401.2); short protein forms C51Y.
Identifiers: ClinVar variation 212797 (VCV000212797.12), dbSNP rs863223409, ClinGen allele CA324720.
Genomic context (GRCh38, chr12:51,913,189, plus strand): 5'-TGGTGACCTGCACGTGTGAGAGCCCACATTGCAAGGGGCCTACCTGCCGGGGGGCCTGGT[G>A]CACAGTAGTGCTGGTGCGGGAGGAGGGGAGGCACCCCCAGGAACATCGGGGCTGCGGGAA-3'
Protein context (NP_000011.2, residues 41-61): CKGPTCRGAW[Cys51Tyr]TVVLVREEGR

ClinVar aggregate classification (germline): Pathogenic. Review status: criteria provided, multiple submitters, no conflicts (2 of 4 stars). 4 submissions from 4 submitters: Pathogenic (4). Last evaluated 2025-05-26.

Conditions:
Cardiovascular phenotype. Identifiers: MedGen CN230736.
Telangiectasia, hereditary hemorrhagic, type 2 (HHT2). Also called: Telangiectasia, hereditary hemorrhagic, type II; ACVRL1-Related Hereditary Hemorrhagic Telangiectasia. Identifiers: Orphanet 774, MedGen C1838163, MONDO:0010880, OMIM 600376. Disease mechanism: loss of function.

Submissions (4):

Labcorp Genetics (formerly Invitae), Labcorp
Classification: Pathogenic for Telangiectasia, hereditary hemorrhagic, type 2. Last evaluated: 2025-05-26. Review status: criteria provided, single submitter. Criteria: Invitae Variant Classification Sherloc (09022015). Collection method: clinical testing. Allele origin: germline.
Comment: This sequence change replaces cysteine, which is neutral and slightly polar, with tyrosine, which is neutral and polar, at codon 51 of the ACVRL1 protein (p.Cys51Tyr). This variant is not present in population databases (gnomAD no frequency). This missense change has been observed in individual(s) with clinical features of hereditary hemorrhagic telangiectasia (PMID: 10694922, 16429404, 23722869; internal data). ClinVar contains an entry for this variant (Variation ID: 212797). Invitae Evidence Modeling of protein sequence and biophysical properties (such as structural, functional, and spatial information, amino acid conservation, physicochemical variation, residue mobility, and thermodynamic stability) indicates that this missense variant is expected to disrupt ACVRL1 protein function with a positive predictive value of 95%. Experimental studies have shown that this missense change affects ACVRL1 function (PMID: 20501893). This variant affects a cysteine residue located within the ACVRL1 protein ectodomain. Cysteine residues in this domain of ACVRL1 are involved in the formation of disulfide bridges critical for protein structure and stability (PMID: 22028876, 22718755, 22799562). In addition, missense substitutions within the ACVRL1 ectodomain affecting cysteine residues are overrepresented in patients with HHT (PMID: 20501893, 26176610 and an online resource). For these reasons, this variant has been classified as Pathogenic.

ARUP Laboratories, Molecular Genetics and Genomics, ARUP Laboratories
Classification: Pathogenic for Telangiectasia, hereditary hemorrhagic, type 2. Last evaluated: 2025-04-17. Review status: criteria provided, single submitter. Criteria: ARUP Molecular Germline Variant Investigation Process 2024. Collection method: clinical testing. Allele origin: germline.
Comment: The ACVRL1 c.152G>A; p.Cys51Tyr variant (rs863223409, ClinVar Variation ID: 212797) is reported in the literature in multiple individuals affected with hereditary hemorrhagic telangiectasia (HHT) (Canzonieri 2014, Klaus 1998, McDonald 2020, Olivieri 2002 & 2007). Functional analyses of the variant protein show a deficiency in ligand binding and impaired signaling (Ricard 2010, Scotti 2011). In addition, this variant is located in the ACVRL1 ectodomain and substitutions affecting cysteine residues are overrepresented in patients with HHT (Scotti 2011). This variant is also absent from the Genome Aggregation Database (v2.1.1), indicating it is not a common polymorphism. The cysteine at codon 51 is highly conserved, and computational analyses predict that this variant is deleterious (REVEL: 0.876). Based on available information, this variant is considered to be pathogenic. References: Canzonieri C et al. Endoscopic evaluation of gastrointestinal tract in patients with hereditary hemorrhagic telangiectasia and correlation with their genotypes. Genet Med. 2014 Jan;16(1):3-10. PMID: 23722869. Klaus DJ et al. Novel missense and frameshift mutations in the activin receptor-like kinase-1 gene in hereditary hemorrhagic telangiectasia. Mutations in brief no. 164. Online. Hum Mutat. 1998;12(2):137. PMID: 10694922. McDonald J et al. CuraÃ§ao diagnostic criteria for hereditary hemorrhagic telangiectasia is highly predictive of a pathogenic variant in ENG or ACVRL1 (HHT1 and HHT2). Genet Med. 2020 Jul;22(7):1201-1205. PMID: 32300199. Olivieri C et al. Identification of 13 new mutations in the ACVRL1 gene in a group of 52 unselected Italian patients affected by hereditary haemorrhagic telangiectasia. J Med Genet. 2002 Jul;39(7):E39. PMID: 12114496. Olivieri C et al. Analysis of ENG and ACVRL1 genes in 137 HHT Italian families identifies 76 different mutations (24 novel). Comparison with other European studies. J Hum Genet. 2007;52(10):820-829. PMID: 17786384. Ricard N et al. Functional analysis of the BMP9 response of ALK1 mutants from HHT2 patients: a diagnostic tool for novel ACVRL1 mutations. Blood. 2010 Sep 2;116(9):1604-12. PMID: 20501893. Scotti C et al. Bioinformatic analysis of pathogenic missense mutations of activin receptor like kinase 1 ectodomain. PLoS One. 2011;6(10):e26431. PMID: 22028876.

GeneDx
Classification: Pathogenic. Last evaluated: 2022-07-19. Review status: criteria provided, single submitter. Criteria: GeneDx Variant Classification Process June 2021. Collection method: clinical testing. Allele origin: germline. Affected: yes.
Comment: Published functional studies demonstrate p.(C51Y) disrupts protein trafficking and results in failure to express the protein at the cell surface and impaired signaling (Lux et al., 1999; Ricard et al., 2010); In silico analysis supports that this missense variant has a deleterious effect on protein structure/function; Not observed at significant frequency in large population cohorts (gnomAD); This variant is associated with the following publications: (PMID: 17786384, 23722869, 16540754, 16706966, 16429404, 10187774, 15879500, 22028876, 15266205, 12114496, 32300199, 10694922, 20501893)

Ambry Genetics
Classification: Pathogenic for Cardiovascular phenotype. Last evaluated: 2022-06-01. Review status: criteria provided, single submitter. Criteria: Ambry Variant Classification Scheme 2023. Collection method: clinical testing. Allele origin: germline.
Comment: The p.C51Y pathogenic mutation (also known as c.152G>A), located in coding exon 2 of the ACVRL1 gene, results from a G to A substitution at nucleotide position 152. The cysteine at codon 51 is replaced by tyrosine, an amino acid with highly dissimilar properties. This mutation has been reported in individuals with a clinical diagnosis of hereditary hemorrhagic telangiectasia (HHT) (Olivieri C et al. Genet. Med., 2006 Mar;8:183-90; Canzonieri C et al. Genet. Med., 2014 Jan;16:3-10). An in vitro study showed that cells transfected with this mutation express a protein that is unable to reach the cell surface and cannot bind or respond to BMP9 (Ricard N et al. Blood, 2010 Sep;116:1604-12). Based on internal structural analysis, this variant is anticipated to result in a significant decrease in structural stability (Guerois R et al. J. Mol. Biol., 2002 Jul;320:369-87; Scotti C et al. PLoS ONE, 2011 Oct;6:e26431). This variant is considered to be rare based on population cohorts in the Genome Aggregation Database (gnomAD). Based on the supporting evidence, this alteration is interpreted as a disease-causing mutation.

Literature cited by the submitters: PubMed 10694922 (cited by Labcorp Genetics (formerly Invitae), Labcorp and Ambry Genetics); PubMed 16429404 (cited by Labcorp Genetics (formerly Invitae), Labcorp); PubMed 23722869 (cited by Labcorp Genetics (formerly Invitae), Labcorp and Ambry Genetics); PubMed 20501893 (cited by Labcorp Genetics (formerly Invitae), Labcorp and Ambry Genetics); PubMed 22028876 (cited by Labcorp Genetics (formerly Invitae), Labcorp and Ambry Genetics); PubMed 22718755 (cited by Labcorp Genetics (formerly Invitae), Labcorp); PubMed 22799562 (cited by Labcorp Genetics (formerly Invitae), Labcorp); PubMed 26176610 (cited by Labcorp Genetics (formerly Invitae), Labcorp); PubMed 12079393 (cited by Ambry Genetics); PubMed 16540754 (cited by Ambry Genetics).